The following is an entry in ClinVar:

NM_022720.7(DGCR8):c.1536G>A (p.Glu512=)

Gene: DGCR8 (DGCR8 microprocessor complex subunit; plus strand). Cytogenetic location: 22q11.21.
Variant type: single nucleotide variant.
Coding change: c.1536G>A on transcript NM_022720.7 (MANE Select); coding-DNA position 1536, G replaced by A.
Protein change: p.Glu512=; no amino-acid change (glutamic acid 512 retained).
Molecular consequence: synonymous variant.
Genome position (GRCh38, 1-based): chr22:20,091,900, G>A. VCF-style: chr22-20091900-G-A. GRCh37 (hg19) VCF-style: chr22-20079423-G-A.
Other names: c.1536G>A, p.Glu512= (NM_001190326.2).
Identifiers: ClinVar variation 3036523 (VCV003036523.2), dbSNP rs780692891, ClinGen allele CA10107003.

ClinVar aggregate classification (germline): Likely benign (0 of 4 stars; one submission).

Conditions:
DGCR8-related disorder. Also called: DGCR8-related condition.

Allele frequency attached by ClinVar (database versions not stated): TOPMed 0.00001; ExAC 0.00002; gnomAD 0.00002; gnomAD exomes 0.00005.

Submission:

PreventionGenetics, part of Exact Sciences
Classification: Likely benign for DGCR8-related condition. Last evaluated: 2022-12-07. Review status: no assertion criteria provided. Collection method: clinical testing. Allele origin: germline.
Comment: This variant is classified as likely benign based on ACMG/AMP sequence variant interpretation guidelines (Richards et al. 2015 PMID: 25741868, with internal and published modifications).